The following is an entry in ClinVar:

ClinVar aggregate classification (germline): Uncertain significance (1 of 4 stars; one submission).

Submission:

GeneDx
Classification: Uncertain significance. Last evaluated: 2024-05-10. Review status: criteria provided, single submitter. Criteria: GeneDx Variant Classification Process June 2021. Collection method: clinical testing. Allele origin: germline. Affected: yes.
Comment: Not observed at significant frequency in large population cohorts (gnomAD); In silico analysis indicates that this missense variant does not alter protein structure/function; Has not been previously published as pathogenic or benign to our knowledge

NM_001379291.1(BRD4):c.1015C>G (p.Gln339Glu)

Gene: BRD4 (bromodomain containing 4; minus strand). Cytogenetic location: 19p13.12.
Variant type: single nucleotide variant.
Coding change: c.1015C>G on transcript NM_001379291.1 (MANE Select); coding-DNA position 1015, C replaced by G.
Protein change: p.Gln339Glu; replaces glutamine 339 with glutamic acid.
Molecular consequence: missense variant.
Genome position (GRCh38, 1-based): chr19:15,264,601, G>C on the plus strand (C>G on the coding strand, the complement: BRD4 is on the minus strand). VCF-style: chr19-15264601-G-C. GRCh37 (hg19) VCF-style: chr19-15375412-G-C.
Other names: c.1015C>G, p.Gln339Glu (NM_001330384.2, NM_001379292.1, NM_014299.3 and 1 more transcripts); short protein forms Q339E.
Identifiers: ClinVar variation 3375701 (VCV003375701.1).
Genomic context (GRCh38, chr19:15,264,601, plus strand): 5'-CGCTGCAGCACTTGAGCTGCTCCGAGACCTTGCTGCTCTTCTCTGGTGCTGGGTGCTGCT[G>C]AGAGTCGGGCACGTCCTTCTTTGGAGGTTTCACAGGCCGGCTGCTCTCCCGCCGCTGGCC-3'
Protein context (NP_001366220.1, residues 329-349): KPPKKDVPDS[Gln339Glu]QHPAPEKSSK